The following is an entry in ClinVar:

NM_017763.6(RNF43):c.953-11C>T

Gene: RNF43 (ring finger protein 43; minus strand). Cytogenetic location: 17q22.
Variant type: single nucleotide variant.
Coding change: c.953-11C>T on transcript NM_017763.6 (MANE Select); 11 bases into the intron before coding-DNA position 953, C replaced by T.
Molecular consequence: intron variant.
Genome position (GRCh38, 1-based): chr17:58,358,834, G>A on the plus strand (C>T on the coding strand, the complement: RNF43 is on the minus strand). VCF-style: chr17-58358834-G-A. GRCh37 (hg19) VCF-style: chr17-56436195-G-A.
Other names: c.953-11C>T (NM_001438822.1, NM_001305544.3, NM_001438820.1 and 1 more transcripts); c.572-11C>T (NM_001305545.2, NM_001437987.1).
Identifiers: ClinVar variation 4875738 (VCV004875738.1).

ClinVar aggregate classification (germline): Likely benign (1 of 4 stars; one submission).

Conditions:
Sessile serrated polyposis cancer syndrome (SSPCS). Identifiers: Orphanet 157798, MedGen C4310714, MONDO:0014919, OMIM 617108.

Submission:

Myriad Genetics, Inc.
Classification: Likely benign for Sessile serrated polyposis cancer syndrome. Last evaluated: 2026-06-26. Review status: criteria provided, single submitter. Criteria: Myriad Autosomal Dominant, Autosomal Recessive and X-Linked Classification Criteria (2023). Collection method: clinical testing. Allele origin: unknown.
Comment: This variant is considered likely benign. This variant is intronic and is not expected to impact mRNA splicing.